The following is an entry in ClinVar:

ClinVar aggregate classification (germline): Pathogenic (1 of 4 stars; one submission).

Submission:

CeGaT Center for Human Genetics Tuebingen
Classification: Pathogenic. Last evaluated: 2024-12-01. Review status: criteria provided, single submitter. Criteria: CeGaT Center For Human Genetics Tuebingen Variant Classification Criteria Version 2. Collection method: clinical testing. Allele origin: germline. Affected: yes. Observed: 1 variant allele.
Comment: SERPING1: PVS1, PM2

NM_000062.3(SERPING1):c.914_915dup (p.Lys306fs)

Gene: SERPING1 (serpin family G member 1; plus strand). Cytogenetic location: 11q12.1.
Variant type: Duplication.
Coding change: c.914_915dup on transcript NM_000062.3 (MANE Select); coding-DNA positions 914 to 915, 2 bases duplicated (CC; older notation c.914_915dupCC).
Protein change: p.Lys306fs; shifts the reading frame from lysine 306.
Molecular consequence: frameshift variant.
Genome position (GRCh38, 1-based): chr11:57,606,432-57,606,433, CC duplicated; duplicating any 2 consecutive bases within chr11:57,606,431-57,606,433 gives the same sequence; the c. name uses the placement nearest the transcript's 3' end. VCF-style (leftmost placement, unchanged base first): chr11-57606430-T-TCC. GRCh37 (hg19) VCF-style: chr11-57373903-T-TCC.
Other names: c.914_915dup, p.Lys306fs (NM_001032295.2); short protein forms K306fs.
Identifiers: ClinVar variation 3772075 (VCV003772075.13).